The following is an entry in ClinVar:

NM_002210.5(ITGAV):c.1642T>G (p.Ser548Ala)

Genes: FAM171B-AS1 (FAM171B and ITGAV antisense RNA 1; minus strand), ITGAV (integrin subunit alpha V; plus strand). Cytogenetic location: 2q32.1.
Variant type: single nucleotide variant.
Coding change: c.1642T>G on transcript NM_002210.5 (MANE Select); coding-DNA position 1642, T replaced by G.
Protein change: p.Ser548Ala; replaces serine 548 with alanine.
Molecular consequence: missense variant.
Genome position (GRCh38, 1-based): chr2:186,656,324, T>G. VCF-style: chr2-186656324-T-G. GRCh37 (hg19) VCF-style: chr2-187521051-T-G.
Other names: c.1504T>G, p.Ser502Ala (NM_001144999.3); c.1534T>G, p.Ser512Ala (NM_001145000.3); short protein forms S502A, S512A, S548A.
Identifiers: ClinVar variation 3039819 (VCV003039819.2), dbSNP rs2230615, ClinGen allele CA2018956.

ClinVar aggregate classification (germline): Likely benign (0 of 4 stars; one submission).

Conditions:
ITGAV-related disorder. Also called: ITGAV-related condition.

Allele frequency attached by ClinVar (database versions not stated): gnomAD exomes 0.00010; ExAC 0.00030; 1000 Genomes Project 0.00060; 1000 Genomes Project 30x 0.00062; gnomAD 0.00115; ESP Exome Variant Server 0.00154; TOPMed 0.00158.
gnomAD v4.1: 319 of 1,582,262 alleles (0.02%); highest among the groups gnomAD compares: African/African-American, 0.37%; 1 homozygote.

Submission:

PreventionGenetics, part of Exact Sciences
Classification: Likely benign for ITGAV-related condition. Last evaluated: 2023-06-06. Review status: no assertion criteria provided. Collection method: clinical testing. Allele origin: germline.
Comment: This variant is classified as likely benign based on ACMG/AMP sequence variant interpretation guidelines (Richards et al. 2015 PMID: 25741868, with internal and published modifications).